The following is an entry in ClinVar:

NM_000112.4(SLC26A2):c.2065_2066del (p.Thr689fs)

Gene: SLC26A2 (solute carrier family 26 member 2; plus strand). Cytogenetic location: 5q32.
Variant type: Deletion.
Coding change: c.2065_2066del on transcript NM_000112.4 (MANE Select); coding-DNA positions 2065 to 2066, 2 bases deleted (AC; older notation c.2065_2066delAC).
Protein change: p.Thr689fs; shifts the reading frame from threonine 689.
Molecular consequence: frameshift variant.
Genome position (GRCh38, 1-based): chr5:149,981,658-149,981,659, AC deleted; deleting any 2 consecutive bases within chr5:149,981,657-149,981,659 gives the same sequence; the c. name uses the placement nearest the transcript's 3' end. VCF-style (leftmost placement, unchanged base first): chr5-149981656-CCA-C. GRCh37 (hg19) VCF-style: chr5-149361219-CCA-C.
Other names: short protein forms T689fs.
Identifiers: ClinVar variation 1067905 (VCV001067905.5), dbSNP rs773490671, ClinGen allele CA3505548.

ClinVar aggregate classification (germline): Pathogenic (1 of 4 stars; one submission).

Conditions:
Achondrogenesis, type IB (ACG1B). Also called: Achondrogenesis Type 1B. Identifiers: Orphanet 932, Orphanet 93298, MedGen C0265274, MONDO:0010966, OMIM 600972.
Multiple epiphyseal dysplasia type 4 (EDM4). Also called: MULTIPLE EPIPHYSEAL DYSPLASIA WITH BILAYERED PATELLAE; MULTIPLE EPIPHYSEAL DYSPLASIA WITH CLUBFOOT; MULTIPLE EPIPHYSEAL DYSPLASIA, AUTOSOMAL RECESSIVE; Multiple Epiphyseal Dysplasia, Recessive; SLC26A2-Related Multiple Epiphyseal Dysplasia. Identifiers: Orphanet 93307, MedGen C1847593, MONDO:0009189, OMIM 226900.
Atelosteogenesis type II (AO2). Also called: NEONATAL OSSEOUS DYSPLASIA I; SLC26A2-Related Atelosteogenesis; Neonatal osseous dysplasia 1. Identifiers: Orphanet 56304, MedGen C1850554, MONDO:0009727, OMIM 256050.
Diastrophic dysplasia (DTD). Also called: Diastrophic dwarfism. Identifiers: Orphanet 628, MedGen C0220726, MONDO:0009107, OMIM 222600.

Submission:

Labcorp Genetics (formerly Invitae), Labcorp
Classification: Pathogenic for Atelosteogenesis type II; Multiple epiphyseal dysplasia type 4; Achondrogenesis, type IB; Diastrophic dysplasia. Last evaluated: 2025-01-30. Review status: criteria provided, single submitter. Criteria: Invitae Variant Classification Sherloc (09022015). Collection method: clinical testing. Allele origin: germline.
Comment: This sequence change creates a premature translational stop signal (p.Thr689Cysfs*22) in the SLC26A2 gene. While this is not anticipated to result in nonsense mediated decay, it is expected to disrupt the last 51 amino acid(s) of the SLC26A2 protein. This variant is present in population databases (rs773490671, gnomAD 0.01%). This variant has not been reported in the literature in individuals affected with SLC26A2-related conditions. ClinVar contains an entry for this variant (Variation ID: 1067905). This variant disrupts a region of the SLC26A2 protein in which other variant(s) (p.Ala715Val) have been determined to be pathogenic (PMID: 8571951, 15294877, 21922596; internal data). This suggests that this is a clinically significant region of the protein, and that variants that disrupt it are likely to be disease-causing. For these reasons, this variant has been classified as Pathogenic.

Literature cited by the submitters: PubMed 8571951; PubMed 15294877; PubMed 21922596.